The following is an entry in ClinVar:

NM_004174.4(SLC9A3):c.2023AAG[1] (p.Lys676del)

Genes: SLC9A3 (solute carrier family 9 member A3), SLC9A3-AS1 (SLC9A3 antisense RNA 1; plus strand). Cytogenetic location: 5p15.33.
Variant type: Microsatellite.
Coding change: c.2023AAG[1] on transcript NM_004174.4 (MANE Select); one copy of the 3-base unit AAG starting at c.2023.
Protein change: p.Lys676del; deletes lysine 676.
Molecular consequence: inframe deletion. On other transcripts: non-coding transcript variant (1).
Genome position: GRCh38 VCF-style: chr5-476240-CCTT-C. GRCh37 (hg19) VCF-style: chr5-476355-CCTT-C.
Other names: c.1996AAG[1], p.Lys667del (NM_001284351.3); short protein forms K667del, K676del.
Identifiers: ClinVar variation 1417116 (VCV001417116.4), dbSNP rs748285430, ClinGen allele CA3175611.

ClinVar aggregate classification (germline): Uncertain significance (1 of 4 stars; one submission).

Submission:

Labcorp Genetics (formerly Invitae), Labcorp
Classification: Uncertain significance. Last evaluated: 2025-01-19. Review status: criteria provided, single submitter. Criteria: Invitae Variant Classification Sherloc (09022015). Collection method: clinical testing. Allele origin: germline.
Comment: This variant, c.2026_2028del, results in the deletion of 1 amino acid(s) of the SLC9A3 protein (p.Lys676del), but otherwise preserves the integrity of the reading frame. This variant is present in population databases (rs748285430, gnomAD 0.02%). This variant has not been reported in the literature in individuals affected with SLC9A3-related conditions. Experimental studies and prediction algorithms are not available or were not evaluated, and the functional significance of this variant is currently unknown. In summary, the available evidence is currently insufficient to determine the role of this variant in disease. Therefore, it has been classified as a Variant of Uncertain Significance.